The following is an entry in ClinVar:

NM_001999.4(FBN2):c.2144G>A (p.Cys715Tyr)

Gene: FBN2 (fibrillin 2; minus strand). Cytogenetic location: 5q23.3.
Variant type: single nucleotide variant.
Coding change: c.2144G>A on transcript NM_001999.4 (MANE Select); coding-DNA position 2144, G replaced by A.
Protein change: p.Cys715Tyr; replaces cysteine 715 with tyrosine.
Molecular consequence: missense variant.
Genome position (GRCh38, 1-based): chr5:128,369,286, C>T on the plus strand (G>A on the coding strand, the complement: FBN2 is on the minus strand). VCF-style: chr5-128369286-C-T. GRCh37 (hg19) VCF-style: chr5-127704979-C-T.
Other names: short protein forms C715Y.
Identifiers: ClinVar variation 1216609 (VCV001216609.6), dbSNP rs766592611, ClinGen allele CA3395624.
Genomic context (GRCh38, chr5:128,369,286, plus strand): 5'-TAGTCTGGATTGGCACAGCAGCATTCGGACTTGGTCACTGCACCGGGGAAAGGACGCACA[C>T]ACACTCCTTTCTTGATTCCTCCATAGCAGGTACTGCGCATGTGAGTATCTAAAGGAGATA-3'
Protein context (NP_001990.2, residues 705-725): TCYGGIKKGV[Cys715Tyr]VRPFPGAVTK

ClinVar aggregate classification (germline): Conflicting classifications of pathogenicity. Review status: criteria provided, conflicting classifications (1 of 4 stars). 4 submissions from 4 submitters: Uncertain significance (2); Likely benign (1). 1 of the submissions does not count toward it. Last evaluated 2025-09-11.

Conditions:
Congenital contractural arachnodactyly (CCA). Also called: BEALS SYNDROME; Beals-Hecht syndrome; Arthrogryposis, distal, type 9. Identifiers: Orphanet 115, MedGen C0220668, MONDO:0007363, OMIM 121050.
FBN2-related disorder. Also called: FBN2-related condition.
Familial thoracic aortic aneurysm and aortic dissection (TAAD). Also called: Thoracic aortic aneurysms and dissections. Identifiers: Orphanet 91387, MedGen C4707243, MONDO:0019625.

Allele frequency attached by ClinVar (database versions not stated): ExAC 0.00001; gnomAD 0.00001 and 0.00002; gnomAD exomes 0.00001; TOPMed 0.00003.
gnomAD v4.1: 10 of 1,613,884 alleles (0.00062%); highest among the groups gnomAD compares: Admixed American, 0.005%; no homozygotes.

Submissions (4):

Ambry Genetics
Classification: Uncertain significance for Familial thoracic aortic aneurysm and aortic dissection. Last evaluated: 2025-09-11. Review status: criteria provided, single submitter. Criteria: Ambry Variant Classification Scheme 2023. Collection method: clinical testing. Allele origin: germline.
Comment: The p.C715Y variant (also known as c.2144G>A), located in coding exon 16 of the FBN2 gene, results from a G to A substitution at nucleotide position 2144. The cysteine at codon 715 is replaced by tyrosine, an amino acid with highly dissimilar properties. This amino acid position is highly conserved in available vertebrate species. In addition, this alteration is predicted to be deleterious by in silico analysis. Based on the available evidence, the clinical significance of this variant remains unclear.

Labcorp Genetics (formerly Invitae), Labcorp
Classification: Likely benign for Congenital contractural arachnodactyly. Last evaluated: 2025-04-14. Review status: criteria provided, single submitter. Criteria: Invitae Variant Classification Sherloc (09022015). Collection method: clinical testing. Allele origin: germline.

GeneDx
Classification: Uncertain significance. Last evaluated: 2020-09-21. Review status: criteria provided, single submitter. Criteria: GeneDx Variant Classification Process June 2021. Collection method: clinical testing. Allele origin: germline. Affected: yes.
Comment: Has not been previously published as pathogenic or benign to our knowledge; Not observed at a significant frequency in large population cohorts (Lek et al., 2016); In silico analysis supports that this missense variant has a deleterious effect on protein structure/function; Does not affect a cysteine residue within a calcium-binding EGF-like domain of the FBN2 gene; cysteine substitutions in the calcium-binding EGF-like domains represent the majority of pathogenic missense changes associated with FBN2-related disorders (Frederic et al., 2009)

PreventionGenetics, part of Exact Sciences
Classification: Uncertain significance for FBN2-related condition. Last evaluated: 2024-08-11. Review status: no assertion criteria provided. Collection method: clinical testing. Allele origin: germline. Not counted in ClinVar's aggregate classification.
Comment: The FBN2 c.2144G>A variant is predicted to result in the amino acid substitution p.Cys715Tyr. To our knowledge, this variant has not been reported in the literature. This variant is reported in 0.0085% of alleles in individuals of Latino descent in gnomAD. At this time, the clinical significance of this variant is uncertain due to the absence of conclusive functional and genetic evidence.